The following is an entry in ClinVar:

NM_000503.6(EYA1):c.971T>G (p.Val324Gly)

Gene: EYA1 (EYA transcriptional coactivator and phosphatase 1; minus strand). Cytogenetic location: 8q13.3.
Variant type: single nucleotide variant.
Coding change: c.971T>G on transcript NM_000503.6 (MANE Select); coding-DNA position 971, T replaced by G.
Protein change: p.Val324Gly; replaces valine 324 with glycine.
Molecular consequence: missense variant.
Genome position (GRCh38, 1-based): chr8:71,269,819, A>C on the plus strand (T>G on the coding strand, the complement: EYA1 is on the minus strand). VCF-style: chr8-71269819-A-C. GRCh37 (hg19) VCF-style: chr8-72182054-A-C.
Other names: c.953T>G, p.Val318Gly (NM_001288574.2); c.605T>G, p.Val202Gly (NM_001288575.2); c.1058T>G, p.Val353Gly (NM_001370333.1); c.971T>G, p.Val324Gly (NM_001370334.1, NM_001370335.1, NM_172058.4); c.1040T>G, p.Val347Gly (NM_001370336.1); c.872T>G, p.Val291Gly (NM_001411797.1, NM_172060.4); c.1043T>G, p.Val348Gly (NM_172059.5); short protein forms V202G, V291G, V318G, V324G, V347G, V348G, V353G.
Identifiers: ClinVar variation 3378188 (VCV003378188.1).

ClinVar aggregate classification (germline): Uncertain significance (1 of 4 stars; one submission).

Submission:

GeneDx
Classification: Uncertain significance. Last evaluated: 2024-05-14. Review status: criteria provided, single submitter. Criteria: GeneDx Variant Classification Process June 2021. Collection method: clinical testing. Allele origin: germline. Affected: yes.
Comment: Not observed at significant frequency in large population cohorts (gnomAD); In silico analysis supports that this missense variant has a deleterious effect on protein structure/function; Has not been previously published as pathogenic or benign to our knowledge